The following is an entry in ClinVar:

NM_080473.5(GATA5):c.389T>C (p.Leu130Pro)

Gene: GATA5 (GATA binding protein 5; minus strand). Cytogenetic location: 20q13.33.
Variant type: single nucleotide variant.
Coding change: c.389T>C on transcript NM_080473.5 (MANE Select); coding-DNA position 389, T replaced by C.
Protein change: p.Leu130Pro; replaces leucine 130 with proline.
Molecular consequence: missense variant.
Genome position (GRCh38, 1-based): chr20:62,475,133, A>G on the plus strand (T>C on the coding strand, the complement: GATA5 is on the minus strand). VCF-style: chr20-62475133-A-G. GRCh37 (hg19) VCF-style: chr20-61050189-A-G.
Other names: short protein forms L130P.
Identifiers: ClinVar variation 1945627 (VCV001945627.5), dbSNP rs1555897001, ClinGen allele CA409556469.

ClinVar aggregate classification (germline): Uncertain significance (1 of 4 stars; one submission).

Allele frequency attached by ClinVar (database versions not stated): gnomAD 0.00001; gnomAD exomes 0.00001.
gnomAD v4.1: 3 of 1,367,330 alleles (0.00022%); highest among the groups gnomAD compares: Non-Finnish European, 0.00028%; no homozygotes.

Submission:

Labcorp Genetics (formerly Invitae), Labcorp
Classification: Uncertain significance. Last evaluated: 2025-01-07. Review status: criteria provided, single submitter. Criteria: Invitae Variant Classification Sherloc (09022015). Collection method: clinical testing. Allele origin: germline.
Comment: This sequence change replaces leucine, which is neutral and non-polar, with proline, which is neutral and non-polar, at codon 130 of the GATA5 protein (p.Leu130Pro). This variant is present in population databases (no rsID available, gnomAD 0.007%). This variant has not been reported in the literature in individuals affected with GATA5-related conditions. ClinVar contains an entry for this variant (Variation ID: 1945627). Invitae Evidence Modeling of protein sequence and biophysical properties (such as structural, functional, and spatial information, amino acid conservation, physicochemical variation, residue mobility, and thermodynamic stability) has been performed for this missense variant. However, the output from this modeling did not meet the statistical confidence thresholds required to predict the impact of this variant on GATA5 protein function. In summary, the available evidence is currently insufficient to determine the role of this variant in disease. Therefore, it has been classified as a Variant of Uncertain Significance.